The following is an entry in ClinVar:

ClinVar aggregate classification (germline): Uncertain significance. Review status: criteria provided, multiple submitters, no conflicts (2 of 4 stars). 2 submissions from 2 submitters: Uncertain significance (2). Last evaluated 2024-05-05.

Conditions:
Colorectal cancer, hereditary nonpolyposis, type 7. Identifiers: Orphanet 144, MedGen C1858380, MONDO:0013725, OMIM 614385.

Allele frequency attached by ClinVar (database versions not stated): ExAC 0.00001.

Submissions (2):

Ambry Genetics
Classification: Uncertain significance. Last evaluated: 2024-05-05. Review status: criteria provided, single submitter. Criteria: Ambry Variant Classification Scheme 2023. Collection method: clinical testing. Allele origin: germline.
Comment: The p.M843I variant (also known as c.2529G>A), located in coding exon 1 of the MLH3 gene, results from a G to A substitution at nucleotide position 2529. The methionine at codon 843 is replaced by isoleucine, an amino acid with highly similar properties. This amino acid position is conserved. In addition, this alteration is predicted to be tolerated by in silico analysis. Based on the available evidence, the clinical significance of this variant remains unclear.

Labcorp Genetics (formerly Invitae), Labcorp
Classification: Uncertain significance for Colorectal cancer, hereditary nonpolyposis, type 7. Last evaluated: 2022-05-21. Review status: criteria provided, single submitter. Criteria: Invitae Variant Classification Sherloc (09022015). Collection method: clinical testing. Allele origin: germline.
Comment: In summary, the available evidence is currently insufficient to determine the role of this variant in disease. Therefore, it has been classified as a Variant of Uncertain Significance. Algorithms developed to predict the effect of missense changes on protein structure and function output the following: SIFT: "Tolerated"; PolyPhen-2: "Benign"; Align-GVGD: "Class C0". The isoleucine amino acid residue is found in multiple mammalian species, which suggests that this missense change does not adversely affect protein function. This variant has not been reported in the literature in individuals affected with MLH3-related conditions. This variant is present in population databases (rs763361645, gnomAD 0.006%). This sequence change replaces methionine, which is neutral and non-polar, with isoleucine, which is neutral and non-polar, at codon 843 of the MLH3 protein (p.Met843Ile).

NM_001040108.2(MLH3):c.2529G>A (p.Met843Ile)

Gene: MLH3 (mutL homolog 3; minus strand). Cytogenetic location: 14q24.3.
Variant type: single nucleotide variant.
Coding change: c.2529G>A on transcript NM_001040108.2 (MANE Select); coding-DNA position 2529, G replaced by A.
Protein change: p.Met843Ile; replaces methionine 843 with isoleucine.
Molecular consequence: missense variant.
Genome position (GRCh38, 1-based): chr14:75,047,127, C>T on the plus strand (G>A on the coding strand, the complement: MLH3 is on the minus strand). VCF-style: chr14-75047127-C-T. GRCh37 (hg19) VCF-style: chr14-75513830-C-T.
Other names: c.2529G>A, p.Met843Ile (NM_014381.3); short protein forms M843I.
Identifiers: ClinVar variation 2417152 (VCV002417152.6), dbSNP rs763361645, ClinGen allele CA7275689.